The following is an entry in ClinVar:

NM_003184.4(TAF2):c.2737A>G (p.Met913Val)

Gene: TAF2 (TATA-box binding protein associated factor 2; minus strand). Cytogenetic location: 8q24.12.
Variant type: single nucleotide variant.
Coding change: c.2737A>G on transcript NM_003184.4 (MANE Select); coding-DNA position 2737, A replaced by G.
Protein change: p.Met913Val; replaces methionine 913 with valine.
Molecular consequence: missense variant.
Genome position (GRCh38, 1-based): chr8:119,758,104, T>C on the plus strand (A>G on the coding strand, the complement: TAF2 is on the minus strand). VCF-style: chr8-119758104-T-C. GRCh37 (hg19) VCF-style: chr8-120770344-T-C.
Other names: c.2737A>G (NM_003184.3); short protein forms M913V.
Identifiers: ClinVar variation 1412262 (VCV001412262.6), dbSNP rs373917557, ClinGen allele CA4856987.

ClinVar aggregate classification (germline): Uncertain significance. Review status: criteria provided, multiple submitters, no conflicts (2 of 4 stars). 2 submissions from 2 submitters: Uncertain significance (2). Last evaluated 2025-04-12.

Conditions:
Inborn genetic diseases. Identifiers: MedGen C0950123, MeSH D030342.

Allele frequency attached by ClinVar (database versions not stated): gnomAD 0.00005 and 0.00006; ESP Exome Variant Server 0.00015; gnomAD exomes 0.00006 and 0.00007; TOPMed 0.00006; ExAC 0.00007.
gnomAD v4.1: 104 of 1,613,242 alleles (0.0064%); highest among the groups gnomAD compares: Middle Eastern, 0.033%; no homozygotes.

Submissions (2):

Ambry Genetics
Classification: Uncertain significance for Inborn genetic diseases. Last evaluated: 2025-04-12. Review status: criteria provided, single submitter. Criteria: Ambry Variant Classification Scheme 2023. Collection method: clinical testing. Allele origin: germline.

Labcorp Genetics (formerly Invitae), Labcorp
Classification: Uncertain significance. Last evaluated: 2023-05-15. Review status: criteria provided, single submitter. Criteria: Invitae Variant Classification Sherloc (09022015). Collection method: clinical testing. Allele origin: germline.
Comment: In summary, the available evidence is currently insufficient to determine the role of this variant in disease. Therefore, it has been classified as a Variant of Uncertain Significance. Advanced modeling of protein sequence and biophysical properties (such as structural, functional, and spatial information, amino acid conservation, physicochemical variation, residue mobility, and thermodynamic stability) performed at Invitae indicates that this missense variant is not expected to disrupt TAF2 protein function. ClinVar contains an entry for this variant (Variation ID: 1412262). This variant has not been reported in the literature in individuals affected with TAF2-related conditions. This variant is present in population databases (rs373917557, gnomAD 0.02%). This sequence change replaces methionine, which is neutral and non-polar, with valine, which is neutral and non-polar, at codon 913 of the TAF2 protein (p.Met913Val).